The following is an entry in ClinVar:

ClinVar aggregate classification (germline): Uncertain significance (1 of 4 stars; one submission).

Conditions:
Fanconi anemia (FA). Also called: Fanconi's anemia. Identifiers: Orphanet 84, MedGen C0015625, MeSH D005199, MONDO:0019391.

Submission:

Labcorp Genetics (formerly Invitae), Labcorp
Classification: Uncertain significance for Fanconi anemia. Last evaluated: 2024-10-30. Review status: criteria provided, single submitter. Criteria: Invitae Variant Classification Sherloc (09022015). Collection method: clinical testing. Allele origin: germline.
Comment: This sequence change replaces methionine, which is neutral and non-polar, with leucine, which is neutral and non-polar, at codon 55 of the FANCC protein (p.Met55Leu). This variant is not present in population databases (gnomAD no frequency). This variant has not been reported in the literature in individuals affected with FANCC-related conditions. An algorithm developed to predict the effect of missense changes on protein structure and function (PolyPhen-2) suggests that this variant is likely to be tolerated. In summary, the available evidence is currently insufficient to determine the role of this variant in disease. Therefore, it has been classified as a Variant of Uncertain Significance.

NM_000136.3(FANCC):c.163A>T (p.Met55Leu)

Gene: FANCC (FA complementation group C; minus strand). Cytogenetic location: 9q22.32.
Variant type: single nucleotide variant.
Coding change: c.163A>T on transcript NM_000136.3 (MANE Select); coding-DNA position 163, A replaced by T.
Protein change: p.Met55Leu; replaces methionine 55 with leucine.
Molecular consequence: missense variant.
Genome position (GRCh38, 1-based): chr9:95,249,129, T>A on the plus strand (A>T on the coding strand, the complement: FANCC is on the minus strand). VCF-style: chr9-95249129-T-A. GRCh37 (hg19) VCF-style: chr9-98011411-T-A.
Other names: c.163A>T, p.Met55Leu (NM_001243743.2, NM_001243744.2); short protein forms M55L.
Identifiers: ClinVar variation 3714006 (VCV003714006.2).